The following is an entry in ClinVar:

ClinVar aggregate classification (germline): Likely pathogenic (1 of 4 stars; one submission).

Allele frequency attached by ClinVar (database versions not stated): gnomAD exomes below 0.00001.
gnomAD v4.1: 2 of 1,551,390 alleles (0.00013%); highest among the groups gnomAD compares: Non-Finnish European, 0.00017%; no homozygotes.

Submission:

Labcorp Genetics (formerly Invitae), Labcorp
Classification: Likely pathogenic. Last evaluated: 2022-10-05. Review status: criteria provided, single submitter. Criteria: Invitae Variant Classification Sherloc (09022015). Collection method: clinical testing. Allele origin: germline.
Comment: In summary, the currently available evidence indicates that the variant is pathogenic, but additional data are needed to prove that conclusively. Therefore, this variant has been classified as Likely Pathogenic. Algorithms developed to predict the effect of sequence changes on RNA splicing suggest that this variant may disrupt the consensus splice site. This variant has not been reported in the literature in individuals affected with LOXHD1-related conditions. This variant is not present in population databases (gnomAD no frequency). This sequence change affects a donor splice site in intron 2 of the LOXHD1 gene. It is expected to disrupt RNA splicing. Variants that disrupt the donor or acceptor splice site typically lead to a loss of protein function (PMID: 16199547), and loss-of-function variants in LOXHD1 are known to be pathogenic (PMID: 19732867, 21465660, 25792669).

Literature cited by the submitters: PubMed 16199547; PubMed 19732867; PubMed 21465660; PubMed 25792669.

NM_001384474.1(LOXHD1):c.245+2T>C

Gene: LOXHD1 (lipoxygenase homology PLAT domains 1; minus strand). Cytogenetic location: 18q21.1.
Variant type: single nucleotide variant.
Coding change: c.245+2T>C on transcript NM_001384474.1 (MANE Select); the canonical splice donor site of the intron after coding-DNA position 245, T replaced by C.
Molecular consequence: splice donor variant.
Genome position (GRCh38, 1-based): chr18:46,649,153, A>G on the plus strand (T>C on the coding strand, the complement: LOXHD1 is on the minus strand). VCF-style: chr18-46649153-A-G. GRCh37 (hg19) VCF-style: chr18-44229116-A-G.
Other names: c.245+2T>C (NM_144612.7).
Identifiers: ClinVar variation 2109815 (VCV002109815.4), dbSNP rs2512007723, ClinGen allele CA402372341.